The following is an entry in ClinVar:

NM_003839.4(TNFRSF11A):c.812C>T (p.Thr271Ile)

Gene: TNFRSF11A (TNF receptor superfamily member 11a; plus strand). Cytogenetic location: 18q21.33.
Variant type: single nucleotide variant.
Coding change: c.812C>T on transcript NM_003839.4 (MANE Select); coding-DNA position 812, C replaced by T.
Protein change: p.Thr271Ile; replaces threonine 271 with isoleucine.
Molecular consequence: missense variant. On other transcripts: intron variant (3).
Genome position (GRCh38, 1-based): chr18:62,368,729, C>T. VCF-style: chr18-62368729-C-T. GRCh37 (hg19) VCF-style: chr18-60035962-C-T.
Other names: c.770C>T, p.Thr257Ile (NM_001278268.2); c.783+1969C>T (NM_001270949.2); c.730+6936C>T (NM_001270950.2); c.616+8680C>T (NM_001270951.2); short protein forms T257I, T271I.
Identifiers: ClinVar variation 4689221 (VCV004689221.1).

ClinVar aggregate classification (germline): Uncertain significance (1 of 4 stars; one submission).

Submission:

Women's Health and Genetics/Laboratory Corporation of America, LabCorp
Classification: Uncertain significance. Last evaluated: 2026-01-20. Review status: criteria provided, single submitter. Criteria: LabCorp Variant Classification Summary - May 2015. Collection method: clinical testing. Allele origin: germline.
Comment: Variant summary: TNFRSF11A c.812C>T (p.Thr271Ile) results in a non-conservative amino acid change in the encoded protein sequence. Algorithms developed to predict the effect of missense changes on protein structure and function are either unavailable or do not agree on the potential impact of this missense change. The variant was absent in 251404 control chromosomes. The available data on variant occurrences in the general population are insufficient to allow any conclusion about variant significance. To our knowledge, no occurrence of c.812C>T in individuals affected with TNFRSF11A-related conditions and no experimental evidence demonstrating its impact on protein function have been reported. No submitters have cited clinical-significance assessments for this variant to ClinVar. Based on the evidence outlined above, the variant was classified as uncertain significance.